The following is an entry in ClinVar:

NM_000426.4(LAMA2):c.6329T>C (p.Ile2110Thr)

Gene: LAMA2 (laminin subunit alpha 2; plus strand). Cytogenetic location: 6q22.33.
Variant type: single nucleotide variant.
Coding change: c.6329T>C on transcript NM_000426.4 (MANE Select); coding-DNA position 6329, T replaced by C.
Protein change: p.Ile2110Thr; replaces isoleucine 2110 with threonine.
Molecular consequence: missense variant.
Genome position (GRCh38, 1-based): chr6:129,445,721, T>C. VCF-style: chr6-129445721-T-C. GRCh37 (hg19) VCF-style: chr6-129766866-T-C.
Other names: c.6329T>C, p.Ile2110Thr (NM_001079823.2); short protein forms I2110T.
Identifiers: ClinVar variation 2141284 (VCV002141284.4), dbSNP rs1483976511, ClinGen allele CA365631808.

ClinVar aggregate classification (germline): Uncertain significance (1 of 4 stars; one submission).

Conditions:
LAMA2-related muscular dystrophy (LAMA2-RD). Also called: Laminin alpha 2-related dystrophy. Identifiers: MedGen C5679788, MONDO:0100228.

Allele frequency attached by ClinVar (database versions not stated): TOPMed below 0.00001; gnomAD exomes 0.00001.
gnomAD v4.1: 10 of 1,613,868 alleles (0.00062%); highest among the groups gnomAD compares: Non-Finnish European, 0.00085%; no homozygotes.

Submission:

Labcorp Genetics (formerly Invitae), Labcorp
Classification: Uncertain significance for LAMA2-related muscular dystrophy. Last evaluated: 2022-02-03. Review status: criteria provided, single submitter. Criteria: Invitae Variant Classification Sherloc (09022015). Collection method: clinical testing. Allele origin: germline.
Comment: Advanced modeling of protein sequence and biophysical properties (such as structural, functional, and spatial information, amino acid conservation, physicochemical variation, residue mobility, and thermodynamic stability) performed at Invitae indicates that this missense variant is not expected to disrupt LAMA2 protein function. In summary, the available evidence is currently insufficient to determine the role of this variant in disease. Therefore, it has been classified as a Variant of Uncertain Significance. This variant has not been reported in the literature in individuals affected with LAMA2-related conditions. This variant is present in population databases (no rsID available, gnomAD 0.0009%). This sequence change replaces isoleucine, which is neutral and non-polar, with threonine, which is neutral and polar, at codon 2110 of the LAMA2 protein (p.Ile2110Thr).